The following is an entry in ClinVar:

NM_002855.5(NECTIN1):c.1470C>T (p.Tyr490=)

Gene: NECTIN1 (nectin cell adhesion molecule 1; minus strand). Cytogenetic location: 11q23.3.
Variant type: single nucleotide variant.
Coding change: c.1470C>T on transcript NM_002855.5 (MANE Select); coding-DNA position 1470, C replaced by T.
Protein change: p.Tyr490=; no amino-acid change (tyrosine 490 retained).
Molecular consequence: synonymous variant. On other transcripts: intron variant (1).
Genome position (GRCh38, 1-based): chr11:119,664,831, G>A on the plus strand (C>T on the coding strand, the complement: NECTIN1 is on the minus strand). VCF-style: chr11-119664831-G-A. GRCh37 (hg19) VCF-style: chr11-119535541-G-A.
Other names: c.1003+10328C>T (NM_203285.2).
Identifiers: ClinVar variation 714265 (VCV000714265.4), dbSNP rs367609829, ClinGen allele CA6321777.

ClinVar aggregate classification (germline): Likely benign. Review status: criteria provided, multiple submitters, no conflicts (2 of 4 stars). 2 submissions from 2 submitters: Likely benign (2). Last evaluated 2026-06-02.

Conditions:
NECTIN1-related disorder. Also called: NECTIN1-related condition.

Allele frequency attached by ClinVar (database versions not stated): gnomAD exomes 0.00006 and 0.00013; gnomAD 0.00007 and 0.00008; ExAC 0.00008; ESP Exome Variant Server 0.00008; TOPMed 0.00009.
gnomAD v4.1: 198 of 1,613,784 alleles (0.012%); highest among the groups gnomAD compares: Non-Finnish European, 0.016%; no homozygotes.

Submissions (2):

PreventionGenetics, part of Exact Sciences
Classification: Likely benign for NECTIN1-related condition. Last evaluated: 2026-06-02. Review status: criteria provided, single submitter. Criteria: ACMG Guidelines, 2015. Collection method: clinical testing. Allele origin: germline.
Comment: This variant is classified as likely benign based on ACMG/AMP sequence variant interpretation guidelines (Richards et al. 2015 PMID: 25741868, with internal and published modifications).

Labcorp Genetics (formerly Invitae), Labcorp
Classification: Likely benign. Last evaluated: 2018-06-08. Review status: criteria provided, single submitter. Criteria: Invitae Variant Classification Sherloc (09022015). Collection method: clinical testing. Allele origin: germline.